The following is an entry in ClinVar:

ClinVar aggregate classification (germline): Uncertain significance (1 of 4 stars; one submission).

Conditions:
Idiopathic generalized epilepsy. Also called: Generalised epilepsy; EIG. Identifiers: MedGen C0270850, MONDO:0005579, OMIM 600669.
Hyperaldosteronism, familial, type IV (HALD4). Also called: FH IV; ALDOSTERONISM, PRIMARY, AND HYPERTENSION. Identifiers: Orphanet 642671, MedGen C4310756, MONDO:0014875, OMIM 617027.

Allele frequency attached by ClinVar (database versions not stated): gnomAD exomes below 0.00001.
gnomAD v4.1: 2 of 1,602,464 alleles (0.00012%); highest among the groups gnomAD compares: Non-Finnish European, 0.00017%; no homozygotes.

Submission:

Labcorp Genetics (formerly Invitae), Labcorp
Classification: Uncertain significance for Idiopathic generalized epilepsy; Hyperaldosteronism, familial, type IV. Last evaluated: 2023-10-14. Review status: criteria provided, single submitter. Criteria: Invitae Variant Classification Sherloc (09022015). Collection method: clinical testing. Allele origin: germline.
Comment: This sequence change replaces proline, which is neutral and non-polar, with serine, which is neutral and polar, at codon 1074 of the CACNA1H protein (p.Pro1074Ser). This variant is not present in population databases (gnomAD no frequency). This variant has not been reported in the literature in individuals affected with CACNA1H-related conditions. Advanced modeling of protein sequence and biophysical properties (such as structural, functional, and spatial information, amino acid conservation, physicochemical variation, residue mobility, and thermodynamic stability) performed at Invitae indicates that this missense variant is expected to disrupt CACNA1H protein function. In summary, the available evidence is currently insufficient to determine the role of this variant in disease. Therefore, it has been classified as a Variant of Uncertain Significance.

NM_021098.3(CACNA1H):c.3220C>T (p.Pro1074Ser)

Gene: CACNA1H (calcium voltage-gated channel subunit alpha1 H; plus strand). Cytogenetic location: 16p13.3.
Variant type: single nucleotide variant.
Coding change: c.3220C>T on transcript NM_021098.3 (MANE Select); coding-DNA position 3220, C replaced by T.
Protein change: p.Pro1074Ser; replaces proline 1074 with serine.
Molecular consequence: missense variant.
Genome position (GRCh38, 1-based): chr16:1,208,078, C>T. VCF-style: chr16-1208078-C-T. GRCh37 (hg19) VCF-style: chr16-1258078-C-T.
Other names: c.3220C>T, p.Pro1074Ser (NM_001005407.2); short protein forms P1074S.
Identifiers: ClinVar variation 2924477 (VCV002924477.3), dbSNP rs2548685133, ClinGen allele CA394171909.
Genomic context (GRCh38, chr16:1,208,078, plus strand): 5'-AAGATGTGTTCCCTGGCCGTGACCCCCAACGGGCACCTGGAGGGACGAGGCAGCCTGTCC[C>T]CTCCCCTCATCATGTGCACAGCTGCCACGCCCATGCCTACCCCCAAGAGCTCACCATTCC-3'
Protein context (NP_066921.2, residues 1064-1084): GHLEGRGSLS[Pro1074Ser]PLIMCTAATP